The following is an entry in ClinVar:

NM_012194.3(KIAA1549L):c.4925C>T (p.Ser1642Phe)

Gene: KIAA1549L (KIAA1549 like; plus strand). Cytogenetic location: 11p13.
Variant type: single nucleotide variant.
Coding change: c.4925C>T on transcript NM_012194.3 (MANE Select); coding-DNA position 4925, C replaced by T.
Protein change: p.Ser1642Phe; replaces serine 1642 with phenylalanine.
Molecular consequence: missense variant.
Genome position (GRCh38, 1-based): chr11:33,606,686, C>T. VCF-style: chr11-33606686-C-T. GRCh37 (hg19) VCF-style: chr11-33628232-C-T.
Other names: c.2735C>T, p.Ser912Phe (NM_001410965.1); short protein forms S1642F, S912F.
Identifiers: ClinVar variation 3114250 (VCV003114250.2), dbSNP rs140833560, ClinGen allele CA5940156.

ClinVar aggregate classification (germline): Uncertain significance (1 of 4 stars; one submission).

Allele frequency attached by ClinVar (database versions not stated): gnomAD 0.00013; TOPMed 0.00014; 1000 Genomes Project 30x 0.00016; ESP Exome Variant Server 0.00016; 1000 Genomes Project 0.00020.
gnomAD v4.1: 128 of 1,613,998 alleles (0.0079%); highest among the groups gnomAD compares: Admixed American, 0.05%; no homozygotes.

Submission:

Ambry Genetics
Classification: Uncertain significance. Last evaluated: 2025-12-15. Review status: criteria provided, single submitter. Criteria: Ambry Variant Classification Scheme 2023. Collection method: clinical testing. Allele origin: germline.
Comment: The c.4034C>T (p.S1345F) alteration is located in exon 13 (coding exon 13) of the KIAA1549L gene. This alteration results from a C to T substitution at nucleotide position 4034, causing the serine (S) at amino acid position 1345 to be replaced by a phenylalanine (F). Based on data from gnomAD, the T allele has an overall frequency of 0.01% (24/249144) total alleles studied. The highest observed frequency was 0.05% (3/6048) of Other alleles. Based on insufficient or conflicting evidence, the clinical significance of this alteration remains unclear.